The following is an entry in ClinVar:

ClinVar aggregate classification (germline): Conflicting classifications of pathogenicity. Review status: criteria provided, conflicting classifications (1 of 4 stars). 2 submissions from 2 submitters: Uncertain significance (1); Likely benign (1). Last evaluated 2018-01-13.

Conditions:
Maturity-onset diabetes of the young (MODY). Also called: Maturity onset diabetes mellitus in young. Identifiers: Orphanet 552, MedGen C0342276, MONDO:0018911, HP:0004904.
Renal cysts and diabetes syndrome (RCAD). Also called: Familial hypoplastic, glomerulocystic kidney; MATURITY-ONSET DIABETES OF THE YOUNG, TYPE 5. Identifiers: Orphanet 93111, MedGen C0431693, MONDO:0007669, OMIM 137920.

Allele frequency attached by ClinVar (database versions not stated): gnomAD 0.00001; TOPMed 0.00002.

Submissions (2):

Illumina Laboratory Services, Illumina
Classification: Uncertain significance for Renal cysts and diabetes syndrome. Last evaluated: 2018-01-13. Review status: criteria provided, single submitter. Criteria: ICSL Variant Classification Criteria 13 December 2019. Collection method: clinical testing. Allele origin: germline.

Clinical Genomics, Uppaluri K&H Personalized Medicine Clinic
Classification: Likely benign for Maturity-onset diabetes of the young. Review status: criteria provided, single submitter. Criteria: K & H Uppaluri Personalized Medicine Clinic Variant Classification & Assertion Criteria_Updated V.1. Collection method: research. Allele origin: unknown. Inheritance: Autosomal dominant inheritance.
Comment: HNF1B gene mutations are associated with early onset diabetes and pancreatic atrophy. It is also associated with multiple renal manifestations including renal cysts, Tubulointerstitial disease, glomerulocystic disease, renal hypoplasia, hypomagnesemia. However no sufficient evidence is found to ascertain the role of this particular variant rs886052887, yet.

Literature cited by the submitters: PubMed 24897035 (cited by Clinical Genomics, Uppaluri K&H Personalized Medicine Clinic); PubMed 25536396 (cited by Clinical Genomics, Uppaluri K&H Personalized Medicine Clinic); PubMed 27615128 (cited by Clinical Genomics, Uppaluri K&H Personalized Medicine Clinic); PubMed 28215227 (cited by Clinical Genomics, Uppaluri K&H Personalized Medicine Clinic); PubMed 33434175 (cited by Clinical Genomics, Uppaluri K&H Personalized Medicine Clinic); PubMed 25741167 (cited by Clinical Genomics, Uppaluri K&H Personalized Medicine Clinic); PubMed 26340261 (cited by Clinical Genomics, Uppaluri K&H Personalized Medicine Clinic); PubMed 19639018 (cited by Clinical Genomics, Uppaluri K&H Personalized Medicine Clinic).

NM_000458.4(HNF1B):c.*789T>C

Gene: HNF1B (HNF1 homeobox B; minus strand). Cytogenetic location: 17q12.
Variant type: single nucleotide variant.
Coding change: c.*789T>C on transcript NM_000458.4 (MANE Select); 789 bases downstream of the stop codon, T replaced by C.
Molecular consequence: 3 prime UTR variant.
Genome position (GRCh38, 1-based): chr17:37,686,583, A>G on the plus strand (T>C on the coding strand, the complement: HNF1B is on the minus strand). VCF-style: chr17-37686583-A-G. GRCh37 (hg19) VCF-style: chr17-36046586-A-G.
Other names: c.*789T>C (NM_001165923.4); c.*697T>C (NM_001304286.2).
Identifiers: ClinVar variation 322929 (VCV000322929.6), dbSNP rs886052887, ClinGen allele CA10649996.
Genomic context (GRCh38, chr17:37,686,583, plus strand): 5'-TCTTAGGGAGTGCACGGCTGAGCTCCTGGCCCACAGGAAGCTGGCATGTTACTCTGACAC[A>G]CTACATTCAGCCCCTCCAGGGATCCAGAGGTGTGTCTTAATGTCAGGAGACTGGAGTTAG-3'